The following is an entry in ClinVar:

NM_015340.4(LARS2):c.1764G>T (p.Glu588Asp)

Gene: LARS2 (leucyl-tRNA synthetase 2, mitochondrial; plus strand). Cytogenetic location: 3p21.31.
Variant type: single nucleotide variant.
Coding change: c.1764G>T on transcript NM_015340.4 (MANE Select); coding-DNA position 1764, G replaced by T.
Protein change: p.Glu588Asp; replaces glutamic acid 588 with aspartic acid.
Molecular consequence: missense variant.
Genome position (GRCh38, 1-based): chr3:45,513,138, G>T. VCF-style: chr3-45513138-G-T. GRCh37 (hg19) VCF-style: chr3-45554630-G-T.
Other names: c.1764G>T, p.Glu588Asp (NM_001368263.1); short protein forms E588D.
Identifiers: ClinVar variation 2067522 (VCV002067522.2), dbSNP rs780738370, ClinGen allele CA2349689.

ClinVar aggregate classification (germline): Uncertain significance (1 of 4 stars; one submission).

Allele frequency attached by ClinVar (database versions not stated): ExAC 0.00001; gnomAD 0.00001; TOPMed 0.00001.
gnomAD v4.1: 19 of 1,607,836 alleles (0.0012%); highest among the groups gnomAD compares: Admixed American, 0.0017%; no homozygotes.

Submission:

Labcorp Genetics (formerly Invitae), Labcorp
Classification: Uncertain significance. Last evaluated: 2022-04-11. Review status: criteria provided, single submitter. Criteria: Invitae Variant Classification Sherloc (09022015). Collection method: clinical testing. Allele origin: germline.
Comment: This sequence change replaces glutamic acid, which is acidic and polar, with aspartic acid, which is acidic and polar, at codon 588 of the LARS2 protein (p.Glu588Asp). The frequency data for this variant in the population databases is considered unreliable, as metrics indicate poor data quality at this position in the gnomAD database. This variant has not been reported in the literature in individuals affected with LARS2-related conditions. Algorithms developed to predict the effect of missense changes on protein structure and function (SIFT, PolyPhen-2, Align-GVGD) all suggest that this variant is likely to be disruptive. In summary, the available evidence is currently insufficient to determine the role of this variant in disease. Therefore, it has been classified as a Variant of Uncertain Significance.